The following is an entry in ClinVar:

ClinVar aggregate classification (germline): Conflicting classifications of pathogenicity. Review status: criteria provided, conflicting classifications (1 of 4 stars). 2 submissions from 2 submitters: Uncertain significance (1); Likely benign (1). Last evaluated 2024-06-24.

Conditions:
Hereditary cancer-predisposing syndrome. Also called: Hereditary neoplastic syndrome; Tumor predisposition; Neoplastic Syndromes, Hereditary; Hereditary Cancer Syndrome. Identifiers: Orphanet 140162, MedGen C0027672, MeSH D009386, MONDO:0015356.
Hereditary breast ovarian cancer syndrome. Also called: Hereditary breast and ovarian cancer; Hereditary breast and/or ovarian cancer syndrome; Breast and ovarian cancer; BRCA1- and BRCA2-Associated Hereditary Breast and Ovarian Cancer; Hereditary breast and ovarian cancer syndrome; Hereditary breast and ovarian cancer syndrome (HBOC). Identifiers: Orphanet 145, MedGen C0677776, MeSH D061325, MONDO:0003582. Disease mechanism: loss of function.

Submissions (2):

Labcorp Genetics (formerly Invitae), Labcorp
Classification: Uncertain significance for Hereditary breast ovarian cancer syndrome. Last evaluated: 2024-06-24. Review status: criteria provided, single submitter. Criteria: Invitae Variant Classification Sherloc (09022015). Collection method: clinical testing. Allele origin: germline.
Comment: This sequence change replaces lysine, which is basic and polar, with glutamic acid, which is acidic and polar, at codon 576 of the BRCA1 protein (p.Lys576Glu). This variant is not present in population databases (gnomAD no frequency). This variant has not been reported in the literature in individuals affected with BRCA1-related conditions. ClinVar contains an entry for this variant (Variation ID: 1349608). Advanced modeling of protein sequence and biophysical properties (such as structural, functional, and spatial information, amino acid conservation, physicochemical variation, residue mobility, and thermodynamic stability) performed at Invitae indicates that this missense variant is not expected to disrupt BRCA1 protein function with a negative predictive value of 95%. In summary, the available evidence is currently insufficient to determine the role of this variant in disease. Therefore, it has been classified as a Variant of Uncertain Significance.

University of Washington Department of Laboratory Medicine, University of Washington
Classification: Likely benign for Hereditary cancer-predisposing syndrome. Last evaluated: 2023-03-23. Review status: criteria provided, single submitter. Criteria: Dines et al. (Genet Med. 2020). Collection method: curation. Allele origin: germline.
Comment: Missense variant in a coldspot region where missense variants are very unlikely to be pathogenic (PMID:31911673).

BRCA1 coldspot (exon 11 using historical exon numbering). Reclassification based on statistical prior probability

NM_007294.4(BRCA1):c.1726A>G (p.Lys576Glu)

Gene: BRCA1 (BRCA1 DNA repair associated; minus strand). Cytogenetic location: 17q21.31.
Variant type: single nucleotide variant.
Coding change: c.1726A>G on transcript NM_007294.4 (MANE Select); coding-DNA position 1726, A replaced by G.
Protein change: p.Lys576Glu; replaces lysine 576 with glutamic acid.
Molecular consequence: missense variant. On other transcripts: intron variant (137).
Genome position (GRCh38, 1-based): chr17:43,093,805, T>C on the plus strand (A>G on the coding strand, the complement: BRCA1 is on the minus strand). VCF-style: chr17-43093805-T-C. GRCh37 (hg19) VCF-style: chr17-41245822-T-C.
Other names: c.670+2041A>G (NM_001408418.1, NM_001408423.1, NM_001408420.1 and 2 more transcripts); c.787+939A>G (NM_001407981.1, NM_007298.4, NM_001407978.1 and 19 more transcripts); c.643+939A>G (NM_001408462.1, NM_001408470.1, NM_001408464.1 and 3 more transcripts); c.709+939A>G (NM_001408414.1, NM_001408411.1, NM_001408415.1 and 2 more transcripts); c.577+939A>G (NM_001408514.1, NM_001408485.1, NM_001408483.1 and 9 more transcripts); c.661+939A>G (NM_001408447.1, NM_001408433.1, NM_001408446.1 and 6 more transcripts); c.784+939A>G (NM_001408400.1, NM_001408392.1, NM_001407986.1 and 13 more transcripts); c.664+939A>G (NM_001408441.1, NM_001408437.1, NM_001408429.1 and 12 more transcripts); and 40 more; short protein forms K529E, K576E, K280E, K449E, K488E, K505E, K534E, K448E.
Identifiers: ClinVar variation 1349608 (VCV001349608.9), dbSNP rs2154427861, ClinGen allele CA10598579.
Genomic context (GRCh38, chr17:43,093,805, plus strand): 5'-GTTCCATATTGCTTATACTGCTGCTTATAGGTTCAGCTTTCGTTTTGAAAGCAGATTCTT[T>C]TTCGAGTGATTCTATTGGGTTAGGATTTTTCTCATTCTGAATAGAATCACCTTTTGTTTT-3'
Protein context (NP_009225.1, residues 566-586): KNPNPIESLE[Lys576Glu]ESAFKTKAEP